The following is an entry in ClinVar:

NM_001267550.2(TTN):c.97664del (p.Thr32555fs)

Genes: TTN (titin; minus strand), TTN-AS1 (TTN antisense RNA 1; plus strand). Cytogenetic location: 2q31.2.
Variant type: Deletion.
Coding change: c.97664del on transcript NM_001267550.2 (MANE Select); coding-DNA position 97664, one base deleted (C; older notation c.97664delC).
Protein change: p.Thr32555fs; shifts the reading frame from threonine 32555.
Molecular consequence: frameshift variant.
Genome position (GRCh38, 1-based): chr2:178,541,413, G deleted on the plus strand (C on the coding strand, the reverse complement: TTN is on the minus strand). VCF-style (leftmost placement, unchanged base first): chr2-178541412-TG-T. GRCh37 (hg19) VCF-style: chr2-179406139-TG-T.
Other names: c.92741del, p.Thr30914fs (NM_001256850.1); c.70469del, p.Thr23490fs (NM_003319.4); c.89960del, p.Thr29987fs (NM_133378.4); c.70844del, p.Thr23615fs (NM_133432.3); c.71045del, p.Thr23682fs (NM_133437.4); short protein forms T23490fs, T23615fs, T23682fs, T32555fs, T30914fs, T29987fs.
Identifiers: ClinVar variation 4792525 (VCV004792525.1).

ClinVar aggregate classification (germline): Likely pathogenic (1 of 4 stars; one submission).

Conditions:
Autosomal recessive limb-girdle muscular dystrophy type 2J (LGMDR10). Also called: Limb-girdle muscular dystrophy, type 2J; MUSCULAR DYSTROPHY, LIMB-GIRDLE, AUTOSOMAL RECESSIVE 10. Identifiers: Orphanet 140922, MedGen C1837342, MONDO:0012127, OMIM 608807.
Dilated cardiomyopathy 1G (CMD1G). Identifiers: Orphanet 154, MedGen C1858763, MONDO:0011400, OMIM 604145.

Submission:

Labcorp Genetics (formerly Invitae), Labcorp
Classification: Likely pathogenic for Dilated cardiomyopathy 1G; Autosomal recessive limb-girdle muscular dystrophy type 2J. Last evaluated: 2025-08-11. Review status: criteria provided, single submitter. Criteria: Invitae Variant Classification Sherloc (09022015). Collection method: clinical testing. Allele origin: germline.
Comment: This sequence change creates a premature translational stop signal (p.Thr32555Lysfs*2) in the TTN gene. While this is not anticipated to result in nonsense mediated decay, it is expected to create a truncated TTN protein. This variant is not present in population databases (gnomAD no frequency). This premature translational stop signal has been observed in individual(s) with cardiomyopathy (internal data). This variant is located in the A band of TTN (PMID: 25589632). Truncating variants in this region are significantly overrepresented in patients affected with dilated cardiomyopathy (PMID: 25589632). Truncating variants in this region have also been reported in individuals affected with autosomal recessive centronuclear myopathy (PMID: 23975875). In summary, the currently available evidence indicates that the variant is pathogenic, but additional data are needed to prove that conclusively. Therefore, this variant has been classified as Likely Pathogenic.

Literature cited by the submitters: PubMed 25589632; PubMed 23975875.